The following is an entry in ClinVar:

ClinVar aggregate classification (germline): Uncertain significance (1 of 4 stars; one submission).

Allele frequency attached by ClinVar (database versions not stated): TOPMed below 0.00001; gnomAD exomes 0.00001.
gnomAD v4.1: 12 of 1,614,222 alleles (0.00074%); highest among the groups gnomAD compares: Admixed American, 0.005%; no homozygotes.

Submission:

Labcorp Genetics (formerly Invitae), Labcorp
Classification: Uncertain significance. Last evaluated: 2025-02-25. Review status: criteria provided, single submitter. Criteria: Invitae Variant Classification Sherloc (09022015). Collection method: clinical testing. Allele origin: germline.
Comment: This sequence change replaces arginine, which is basic and polar, with histidine, which is basic and polar, at codon 468 of the FLNB protein (p.Arg468His). This variant is present in population databases (no rsID available, gnomAD 0.003%). This variant has not been reported in the literature in individuals affected with FLNB-related conditions. ClinVar contains an entry for this variant (Variation ID: 1386865). Invitae Evidence Modeling of protein sequence and biophysical properties (such as structural, functional, and spatial information, amino acid conservation, physicochemical variation, residue mobility, and thermodynamic stability) has been performed for this missense variant. However, the output from this modeling did not meet the statistical confidence thresholds required to predict the impact of this variant on FLNB protein function. In summary, the available evidence is currently insufficient to determine the role of this variant in disease. Therefore, it has been classified as a Variant of Uncertain Significance.

NM_001457.4(FLNB):c.1403G>A (p.Arg468His)

Gene: FLNB (filamin B; plus strand). Cytogenetic location: 3p14.3.
Variant type: single nucleotide variant.
Coding change: c.1403G>A on transcript NM_001457.4 (MANE Select); coding-DNA position 1403, G replaced by A.
Protein change: p.Arg468His; replaces arginine 468 with histidine.
Molecular consequence: missense variant.
Genome position (GRCh38, 1-based): chr3:58,102,260, G>A. VCF-style: chr3-58102260-G-A. GRCh37 (hg19) VCF-style: chr3-58087987-G-A.
Other names: c.1403G>A, p.Arg468His (NM_001164317.2, NM_001164318.2, NM_001164319.2); short protein forms R468H.
Identifiers: ClinVar variation 1386865 (VCV001386865.6), dbSNP rs1446446854, ClinGen allele CA353337961.